The following is an entry in ClinVar:

NM_002185.5(IL7R):c.1063G>A (p.Val355Ile)

Gene: IL7R (interleukin 7 receptor; plus strand). Cytogenetic location: 5p13.2.
Variant type: single nucleotide variant.
Coding change: c.1063G>A on transcript NM_002185.5 (MANE Select); coding-DNA position 1063, G replaced by A.
Protein change: p.Val355Ile; replaces valine 355 with isoleucine.
Molecular consequence: missense variant. On other transcripts: non-coding transcript variant (1).
Genome position (GRCh38, 1-based): chr5:35,876,169, G>A. VCF-style: chr5-35876169-G-A. GRCh37 (hg19) VCF-style: chr5-35876271-G-A.
Other names: c.1063G>A (NM_002185.2); short protein forms V355I.
Identifiers: ClinVar variation 1011677 (VCV001011677.8), dbSNP rs749870381, ClinGen allele CA3232194.

ClinVar aggregate classification (germline): Uncertain significance. Review status: criteria provided, multiple submitters, no conflicts (2 of 4 stars). 2 submissions from 2 submitters: Uncertain significance (2). Last evaluated 2024-12-06.

Conditions:
Inborn genetic diseases. Identifiers: MedGen C0950123, MeSH D030342.
Immunodeficiency 104. Also called: Severe Combined Immune Deficiency, Autosomal Recessive, TCell -Negative, B Cell-Positive, NK Cell-Positive, IL7R-Related; IMMUNODEFICIENCY 104, SEVERE COMBINED; SCID, AUTOSOMAL RECESSIVE, T CELL-NEGATIVE, B CELL-POSITIVE, NK CELL-POSITIVE; Severe combined immunodeficiency, autosomal recessive, T cell-negative, B cell-positive, NK cell-positive. Identifiers: MedGen C5676890, MONDO:0012163, OMIM 608971.

Allele frequency attached by ClinVar (database versions not stated): gnomAD exomes below 0.00001; ExAC 0.00001; gnomAD 0.00003 and 0.00004; TOPMed 0.00009.

Submissions (2):

Ambry Genetics
Classification: Uncertain significance for Inborn genetic diseases. Last evaluated: 2024-12-06. Review status: criteria provided, single submitter. Criteria: Ambry Variant Classification Scheme 2023. Collection method: clinical testing. Allele origin: germline.

Labcorp Genetics (formerly Invitae), Labcorp
Classification: Uncertain significance for Immunodeficiency 104. Last evaluated: 2022-07-19. Review status: criteria provided, single submitter. Criteria: Invitae Variant Classification Sherloc (09022015). Collection method: clinical testing. Allele origin: germline.
Comment: This sequence change replaces valine, which is neutral and non-polar, with isoleucine, which is neutral and non-polar, at codon 355 of the IL7R protein (p.Val355Ile). This variant is present in population databases (rs749870381, gnomAD no frequency). This variant has not been reported in the literature in individuals affected with IL7R-related conditions. ClinVar contains an entry for this variant (Variation ID: 1011677). Advanced modeling of protein sequence and biophysical properties (such as structural, functional, and spatial information, amino acid conservation, physicochemical variation, residue mobility, and thermodynamic stability) performed at Invitae indicates that this missense variant is not expected to disrupt IL7R protein function. In summary, the available evidence is currently insufficient to determine the role of this variant in disease. Therefore, it has been classified as a Variant of Uncertain Significance.